The following is an entry in ClinVar:

NM_024496.4(IRF2BPL):c.261_269del (p.Ala100_Ala102del)

Genes: IRF2BPL (interferon regulatory factor 2 binding protein like; minus strand), LOC107984638 (uncharacterized LOC107984638; plus strand). Cytogenetic location: 14q24.3.
Variant type: Deletion.
Coding change: c.261_269del on transcript NM_024496.4 (MANE Select); coding-DNA positions 261 to 269, 9 bases deleted (AGCGGCGGC; older notation c.261_269delAGCGGCGGC).
Protein change: p.Ala100_Ala102del.
Molecular consequence: non-coding transcript variant (on NR_190000.1).
Genome position (GRCh38, 1-based): chr14:77,027,524-77,027,532, GCCGCCGCT deleted on the plus strand (AGCGGCGGC on the coding strand, the reverse complement: IRF2BPL is on the minus strand). VCF-style (leftmost placement, unchanged base first): chr14-77027523-CGCCGCCGCT-C. GRCh37 (hg19) VCF-style: chr14-77493866-CGCCGCCGCT-C.
Identifiers: ClinVar variation 5039061 (VCV005039061.1).

ClinVar aggregate classification (germline): Likely benign (1 of 4 stars; one submission).

Submission:

CeGaT Center for Human Genetics Tuebingen
Classification: Likely benign. Last evaluated: 2026-08-01. Review status: criteria provided, single submitter. Criteria: CeGaT Center For Human Genetics Tuebingen Variant Classification Criteria Version 2. Collection method: clinical testing. Allele origin: germline. Affected: yes. Observed: 1 variant allele.
Comment: IRF2BPL: BS2